The following is an entry in ClinVar:

NM_000110.4(DPYD):c.3040_3041del (p.Lys1014fs)

Gene: DPYD (dihydropyrimidine dehydrogenase; minus strand). Cytogenetic location: 1p21.3.
Variant type: Deletion.
Coding change: c.3040_3041del on transcript NM_000110.4 (MANE Select); coding-DNA positions 3040 to 3041, 2 bases deleted (AA; older notation c.3040_3041delAA).
Protein change: p.Lys1014fs; shifts the reading frame from lysine 1014.
Molecular consequence: frameshift variant.
Genome position (GRCh38, 1-based): chr1:97,079,013-97,079,014, TT deleted on the plus strand (AA on the coding strand, the reverse complement: DPYD is on the minus strand); deleting any 2 consecutive bases within chr1:97,079,013-97,079,015 gives the same sequence; the c. name uses the placement nearest the transcript's 3' end. VCF-style (leftmost placement, unchanged base first): chr1-97079012-CTT-C. GRCh37 (hg19) VCF-style: chr1-97544568-CTT-C.
Other names: c.3040_3041delAA (NM_000110.3); short protein forms K1014fs.
Identifiers: ClinVar variation 2429122 (VCV002429122.3), dbSNP rs1557849648, ClinGen allele CA525177529.
Genomic context (GRCh38, chr1:97,079,012, plus strand): 5'-ACAGCAACTGTTTCACAAATCACCTTAACACACCGGATTCACAGATAAGGGTACGCCTCT[CTT>C]TGGTTCATAAGGTGTTGTCCTGGAAACCATTTTGATGCAGTCGACAATAGGGCAAACACT-3'

ClinVar aggregate classification (germline): Uncertain significance (1 of 4 stars; one submission).

Submission:

Women's Health and Genetics/Laboratory Corporation of America, LabCorp
Classification: Uncertain significance. Last evaluated: 2023-01-31. Review status: criteria provided, single submitter. Criteria: LabCorp Variant Classification Summary - May 2015. Collection method: clinical testing. Allele origin: germline.
Comment: Variant summary: DPYD c.3040_3041delAA (p.Lys1014GlufsX14) causes a frameshift which results in an extension of the protein by less than 5 amino acids. The variant allele was found at a frequency of 4e-06 in 251168 control chromosomes. The available data on variant occurrences in the general population are insufficient to allow any conclusion about variant significance. To our knowledge, no occurrence of c.3040_3041delAA in individuals affected with Dihydropyrimidine Dehydrogenase Deficiency and no experimental evidence demonstrating its impact on protein function have been reported. No clinical diagnostic laboratories have submitted clinical-significance assessments for this variant to ClinVar after 2014. Based on the evidence outlined above, the variant was classified as uncertain significance.